The following is an entry in ClinVar:

NC_000006.11:g.(51915094_51917873)_(51930876_51934254)dup

Gene: PKHD1 (PKHD1 ciliary IPT domain containing fibrocystin/polyductin; minus strand). Cytogenetic location: 6p12.2.
Variant type: Duplication.
Identifiers: ClinVar variation 2429306 (VCV002429306.3).

ClinVar aggregate classification (germline): Uncertain significance (1 of 4 stars; one submission).

Submission:

Women's Health and Genetics/Laboratory Corporation of America, LabCorp
Classification: Uncertain significance. Last evaluated: 2023-01-27. Review status: criteria provided, single submitter. Criteria: LabCorp Variant Classification Summary - May 2015. Collection method: clinical testing. Allele origin: germline.
Comment: Variant summary: The variant identified by MLPA or other technology involves the duplication of exons 12-21 in the PKHD1 gene. A presumed nomenclature of c.(778+1_779-1)_(2140+1_2141-1)dup has been designated for the purposes of this classification. It has been assumed that this is a tandem duplication in direct orientation (Richardson_GIM_2018, Newman_AJHG_2015). Although exact breakpoints of this duplication are not known, it is expected to result in a large in-frame duplication in the PKHD1 gene. The variant was absent in 21694 control chromosomes (gnomAD, structural variants dataset). The available data on variant occurrences in the general population are insufficient to allow any conclusion about variant significance. To our knowledge, no occurrence of c.(778+1_779-1)_(2140+1_2141-1)dup in individuals affected with Polycystic Kidney And Hepatic Disease and no experimental evidence demonstrating its impact on protein function have been reported. No clinical diagnostic laboratories have submitted clinical-significance assessments for this variant to ClinVar after 2014. Based on the evidence outlined above, the variant was classified as uncertain significance.